The following is an entry in ClinVar:

ClinVar aggregate classification (germline): Likely pathogenic (1 of 4 stars; one submission).

Conditions:
Nance-Horan syndrome (NHS). Identifiers: Orphanet 627, MedGen C0796085, MONDO:0010545, OMIM 302350.

Submission:

MVZ Praenatalmedizin und Genetik Nuernberg
Classification: Likely pathogenic for Nance-Horan syndrome. Last evaluated: 2024-09-05. Review status: criteria provided, single submitter. Criteria: ACMG Guidelines, 2015. Collection method: clinical testing. Allele origin: germline. Affected: yes.
Comment: This variant leads to a shift in the reading frame and consequently probably to premature degradation of the mRNA (nonsense-mediated decay, NMD) or to premature truncation of the protein (p.(Val1251Cysfs*39); loss of approximately 400 of the 1630 amino acids). The variant has not yet been recorded in the population-based database gnomAD (v.2, v.4) or the ClinVar database. Downstream, other truncating NHS variants are described as pathogenic, so loss-of-function is a typical pathomechanism. In summary, based on the current data, we assess this to be a likely pathogenic variant.

NM_001291867.2(NHS):c.3751del (p.Val1251fs)

Gene: NHS (NHS actin remodeling regulator; plus strand). Cytogenetic location: Xp22.13.
Variant type: Deletion.
Coding change: c.3751del on transcript NM_001291867.2 (MANE Select); coding-DNA position 3751, one base deleted (G; older notation c.3751delG).
Protein change: p.Val1251fs; shifts the reading frame from valine 1251.
Molecular consequence: frameshift variant.
Genome position (GRCh38, 1-based): chrX:17,727,857, G deleted. VCF-style (leftmost placement, unchanged base first): chrX-17727856-AG-A. GRCh37 (hg19) VCF-style: chrX-17745976-AG-A.
Other names: c.3220del, p.Val1074fs (NM_001136024.4); c.3157del, p.Val1053fs (NM_001291868.2); c.3412del, p.Val1138fs (NM_001440780.1); c.3688del, p.Val1230fs (NM_198270.4); short protein forms V1053fs, V1074fs, V1138fs, V1230fs, V1251fs.
Identifiers: ClinVar variation 4813473 (VCV004813473.1).
Genomic context (GRCh38, chrX:17,727,856, plus strand): 5'-TCCAGAAACCATAACATCAGCTGGTAGCAGTCTTCTAGATTCAAATGTCACAAAAGACCA[AG>A]TGCGTACAGAGACTGAGCCTATTCCAGAAAACACGCCAACCAAAAACTGTGCTTTTCCCA-3'